The following is an entry in ClinVar:

ClinVar aggregate classification (germline): Pathogenic (1 of 4 stars; one submission).

Conditions:
Mucopolysaccharidosis, MPS-II (MPS2). Also called: Hunter Syndrome; IDURONATE 2-SULFATASE DEFICIENCY; Mucopolysaccharidosis Type II; Mucopolysaccharidosis type 2; Attenuated MPS (subtype; formerly known as mild MPS II); Severe MPS II. Identifiers: Orphanet 580, Orphanet 79388, MedGen C0026705, MONDO:0010674, OMIM 309900.

Submission:

Laboratory of Diagnosis and Therapy of Lysosomal Disorders, University of Padova
Classification: Pathogenic for Mucopolysaccharidosis, MPS-II. Last evaluated: 2024-06-07. Review status: criteria provided, single submitter. Criteria: ACMG Guidelines, 2015. Collection method: literature only. Allele origin: germline. Affected: yes. Observed: 2 variant alleles.
Comment: Absent from controls (or at low frequency) in gnomAD database (PM2_Moderate), Missense change at the same amino acid residue as a pathogenic variant (PM5_Moderate), Missense variant in a gene with a low rate of benign missense variation (PP2_Supporting), Multiple lines of computational evidence support a deleterious effect (PP3_Supporting), Patient’s phenotype or family history highly specific for the disease (PP4_Strong)

Classification method: ACMG Guidelines [PMID:25741868] with modifications

Literature cited by the submitters: PubMed 10215411; PubMed 10493987.

NM_000202.8(IDS):c.797C>A (p.Pro266His)

Genes: IDS (iduronate 2-sulfatase; minus strand), LOC106050102 (IDS recombination region; plus strand). Cytogenetic location: Xq28.
Variant type: single nucleotide variant.
Coding change: c.797C>A on transcript NM_000202.8 (MANE Select); coding-DNA position 797, C replaced by A.
Protein change: p.Pro266His; replaces proline 266 with histidine.
Molecular consequence: missense variant. On other transcripts: non-coding transcript variant (1).
Genome position (GRCh38, 1-based): chrX:149,496,428, G>T on the plus strand (C>A on the coding strand, the complement: IDS is on the minus strand). VCF-style: chrX-149496428-G-T. GRCh37 (hg19) VCF-style: chrX-148577959-G-T.
Other names: c.527C>A, p.Pro176His (NM_001166550.4); c.797C>A, p.Pro266His (NM_006123.5); short protein forms P176H, P266H.
Identifiers: ClinVar variation 3255844 (VCV003255844.2).